The following is an entry in ClinVar:

NM_000350.3(ABCA4):c.559C>T (p.Arg187Cys)

Gene: ABCA4 (ATP binding cassette subfamily A member 4; minus strand). Cytogenetic location: 1p22.1.
Variant type: single nucleotide variant.
Coding change: c.559C>T on transcript NM_000350.3 (MANE Select); coding-DNA position 559, C replaced by T.
Protein change: p.Arg187Cys; replaces arginine 187 with cysteine.
Molecular consequence: missense variant.
Genome position (GRCh38, 1-based): chr1:94,103,026, G>A on the plus strand (C>T on the coding strand, the complement: ABCA4 is on the minus strand). VCF-style: chr1-94103026-G-A. GRCh37 (hg19) VCF-style: chr1-94568582-G-A.
Other names: c.559C>T, p.Arg187Cys (NM_001425324.1); c.559C>T (NM_000350.2); short protein forms R187C.
Identifiers: ClinVar variation 2733948 (VCV002733948.4), dbSNP rs772735093, ClinGen allele CA958816.

ClinVar aggregate classification (germline): Likely pathogenic. Review status: criteria provided, multiple submitters, no conflicts (2 of 4 stars). 2 submissions from 2 submitters: Likely pathogenic (2). Last evaluated 2025-04-03.

Conditions:
Cone-rod dystrophy 3 (CORD3). Identifiers: Orphanet 1872, MedGen C1858806, MONDO:0011395, OMIM 604116.
Severe early-childhood-onset retinal dystrophy (STGD1). Also called: MACULAR DYSTROPHY WITH FLECKS, TYPE 1; STGD; Stargardt macular dystrophy; Juvenile onset macular degeneration; Stargardt disease 1. Identifiers: Orphanet 364055, Orphanet 827, MedGen C1855465, MeSH D000080362, MONDO:0009549, OMIM 248200.
Retinitis pigmentosa 19 (RP19). Also called: ABCA4-Related Retinitis Pigmentosa. Identifiers: Orphanet 791, MedGen C1866422, MONDO:0011137, OMIM 601718.
Age related macular degeneration 2. Also called: MACULOPATHY, AGE-RELATED; MACULAR DEGENERATION, SENILE; MACULOPATHY, AGE-RELATED, 2. Identifiers: MedGen C3495438, MONDO:0007932, OMIM 153800.

Allele frequency attached by ClinVar (database versions not stated): ExAC 0.00002; gnomAD 0.00002; TOPMed 0.00002.
gnomAD v4.1: 23 of 1,614,048 alleles (0.0014%); highest among the groups gnomAD compares: South Asian, 0.0044%; no homozygotes.

Submissions (2):

Labcorp Genetics (formerly Invitae), Labcorp
Classification: Likely pathogenic. Last evaluated: 2025-04-03. Review status: criteria provided, single submitter. Criteria: Invitae Variant Classification Sherloc (09022015). Collection method: clinical testing. Allele origin: germline.
Comment: This sequence change replaces arginine, which is basic and polar, with cysteine, which is neutral and slightly polar, at codon 187 of the ABCA4 protein (p.Arg187Cys). This variant is present in population databases (rs772735093, gnomAD 0.01%). This missense change has been observed in individual(s) with ABCA4-related conditions (PMID: 25082885, 38927702). ClinVar contains an entry for this variant (Variation ID: 2733948). Invitae Evidence Modeling of protein sequence and biophysical properties (such as structural, functional, and spatial information, amino acid conservation, physicochemical variation, residue mobility, and thermodynamic stability) indicates that this missense variant is expected to disrupt ABCA4 protein function with a positive predictive value of 95%. This variant disrupts the p.Arg187 amino acid residue in ABCA4. Other variant(s) that disrupt this residue have been determined to be pathogenic (PMID: 19959634, 29975949; 32619608)). This suggests that this residue is clinically significant, and that variants that disrupt this residue are likely to be disease-causing. In summary, the currently available evidence indicates that the variant is pathogenic, but additional data are needed to prove that conclusively. Therefore, this variant has been classified as Likely Pathogenic.

Fulgent Genetics
Classification: Likely pathogenic for Age related macular degeneration 2; Severe early-childhood-onset retinal dystrophy; Retinitis pigmentosa 19; Cone-rod dystrophy 3. Last evaluated: 2024-04-02. Review status: criteria provided, single submitter. Criteria: ACMG Guidelines, 2015. Collection method: clinical testing. Allele origin: germline.

Literature cited by the submitters: PubMed 25082885 (cited by Labcorp Genetics (formerly Invitae), Labcorp); PubMed 38927702 (cited by Labcorp Genetics (formerly Invitae), Labcorp); PubMed 19959634 (cited by Labcorp Genetics (formerly Invitae), Labcorp); PubMed 29975949 (cited by Labcorp Genetics (formerly Invitae), Labcorp); PubMed 32619608 (cited by Labcorp Genetics (formerly Invitae), Labcorp).